The following is an entry in ClinVar:

NM_000051.4(ATM):c.1052A>T (p.Asp351Val)

Gene: ATM (ATM serine/threonine kinase; plus strand). Cytogenetic location: 11q22.3.
Variant type: single nucleotide variant.
Coding change: c.1052A>T on transcript NM_000051.4 (MANE Select); coding-DNA position 1052, A replaced by T.
Protein change: p.Asp351Val; replaces aspartic acid 351 with valine.
Molecular consequence: missense variant.
Genome position (GRCh38, 1-based): chr11:108,247,114, A>T. VCF-style: chr11-108247114-A-T. GRCh37 (hg19) VCF-style: chr11-108117841-A-T.
Other names: c.1052A>T, p.Asp351Val (NM_001351834.2); short protein forms D351V.
Identifiers: ClinVar variation 383415 (VCV000383415.19), dbSNP rs1057521618, ClinGen allele CA16606145.

ClinVar aggregate classification (germline): Uncertain significance. Review status: criteria provided, multiple submitters, no conflicts (2 of 4 stars). 4 submissions from 4 submitters: Uncertain significance (4). Last evaluated 2025-12-15.

Conditions:
Ataxia-telangiectasia syndrome (AT). Also called: Ataxia-telangiectasia, complementation group D; Ataxia-telangiectasia, complementation group E; AT, COMPLEMENTATION GROUP C; ATAXIA-TELANGIECTASIA, COMPLEMENTATION GROUP A; ATAXIA-TELANGIECTASIA, FRESNO VARIANT; Ataxia-telangiectasia. Identifiers: Orphanet 100, MedGen C0004135, MONDO:0008840, OMIM 208900.
Familial cancer of breast. Also called: BREAST CANCER, FAMILIAL; hereditary breast carcinoma; Hereditary breast cancer. Identifiers: Orphanet 227535, MedGen C0346153, MONDO:0016419, OMIM 114480. Disease mechanism: loss of function.
Hereditary cancer-predisposing syndrome. Also called: Neoplastic Syndromes, Hereditary; Tumor predisposition; Hereditary neoplastic syndrome; Hereditary Cancer Syndrome. Identifiers: Orphanet 140162, MedGen C0027672, MeSH D009386, MONDO:0015356.

gnomAD v4.1: 2 of 1,613,826 alleles (0.00012%); highest among the groups gnomAD compares: Non-Finnish European, 0.00017%; no homozygotes.

Submissions (4):

Ambry Genetics
Classification: Uncertain significance for Hereditary cancer-predisposing syndrome. Last evaluated: 2025-12-15. Review status: criteria provided, single submitter. Criteria: Ambry Variant Classification Scheme 2023. Collection method: clinical testing. Allele origin: germline.
Comment: The p.D351V variant (also known as c.1052A>T), located in coding exon 7 of the ATM gene, results from an A to T substitution at nucleotide position 1052. The aspartic acid at codon 351 is replaced by valine, an amino acid with highly dissimilar properties. In an assay testing ATM function, this variant showed a functionally indeterminant result (Lee KS et al. Cell, 2025 Sep;188:5081-5099.e27). This amino acid position is highly conserved in available vertebrate species. In addition, this alteration is predicted to be deleterious by in silico analysis. Based on the available evidence, the clinical significance of this variant remains unclear.

Labcorp Genetics (formerly Invitae), Labcorp
Classification: Uncertain significance for Ataxia-telangiectasia syndrome. Last evaluated: 2024-06-12. Review status: criteria provided, single submitter. Criteria: Invitae Variant Classification Sherloc (09022015). Collection method: clinical testing. Allele origin: germline.
Comment: This sequence change replaces aspartic acid, which is acidic and polar, with valine, which is neutral and non-polar, at codon 351 of the ATM protein (p.Asp351Val). This variant is not present in population databases (gnomAD no frequency). This variant has not been reported in the literature in individuals affected with ATM-related conditions. ClinVar contains an entry for this variant (Variation ID: 383415). An algorithm developed to predict the effect of missense changes on protein structure and function (PolyPhen-2) suggests that this variant is likely to be disruptive. In summary, the available evidence is currently insufficient to determine the role of this variant in disease. Therefore, it has been classified as a Variant of Uncertain Significance.

Laboratorio de Genetica e Diagnostico Molecular, Hospital Israelita Albert Einstein
Classification: Uncertain significance for Familial cancer of breast. Last evaluated: 2021-11-22. Review status: criteria provided, single submitter. Criteria: ACMG Guidelines, 2015. Collection method: clinical testing. Allele origin: germline. Affected: yes.
Comment: ACMG classification criteria: PS4 supporting, PM2 moderate, PP3 supporting

GeneDx
Classification: Uncertain significance. Last evaluated: 2019-05-23. Review status: criteria provided, single submitter. Criteria: GeneDx Variant Classification Process June 2021. Collection method: clinical testing. Allele origin: germline. Affected: yes.
Comment: Not observed at a significant frequency in large population cohorts (Lek et al., 2016); This variant is associated with the following publications: (PMID: 30287823)

Literature cited by the submitters: PubMed 30287823 (cited by Ambry Genetics); PubMed 40580951 (cited by Ambry Genetics).